The following is an entry in ClinVar:

NM_017617.5(NOTCH1):c.6209G>A (p.Arg2070Gln)

Gene: NOTCH1 (notch receptor 1; minus strand). Cytogenetic location: 9q34.3.
Variant type: single nucleotide variant.
Coding change: c.6209G>A on transcript NM_017617.5 (MANE Select); coding-DNA position 6209, G replaced by A.
Protein change: p.Arg2070Gln; replaces arginine 2070 with glutamine.
Molecular consequence: missense variant.
Genome position (GRCh38, 1-based): chr9:136,497,530, C>T on the plus strand (G>A on the coding strand, the complement: NOTCH1 is on the minus strand). VCF-style: chr9-136497530-C-T. GRCh37 (hg19) VCF-style: chr9-139391982-C-T.
Other names: short protein forms R2070Q.
Identifiers: ClinVar variation 3340547 (VCV003340547.3).
Genomic context (GRCh38, chr9:136,497,530, plus strand): 5'-GTGATGTCCCGGTTGGCAAAGTGGTCCAGCAGCACCTTGGCGGTCTCGTAGCTGCCCTCC[C>T]GGGCGGCCAGAAACAGGGGTGTCTCCTCCTGGGGGATGAGGGCGGGGGCCGGTGAGGGGG-3'
Protein context (NP_060087.3, residues 2060-2080): REETPLFLAA[Arg2070Gln]EGSYETAKVL

ClinVar aggregate classification (germline): Uncertain significance. Review status: criteria provided, multiple submitters, no conflicts (2 of 4 stars). 2 submissions from 2 submitters: Uncertain significance (2). Last evaluated 2026-01-25.

Conditions:
Familial thoracic aortic aneurysm and aortic dissection (TAAD). Also called: Thoracic aortic aneurysms and dissections. Identifiers: Orphanet 91387, MedGen C4707243, MONDO:0019625.

gnomAD v4.1: 8 of 1,606,752 alleles (0.0005%); highest among the groups gnomAD compares: Admixed American, 0.0017%; no homozygotes.

Submissions (2):

Ambry Genetics
Classification: Uncertain significance for Familial thoracic aortic aneurysm and aortic dissection. Last evaluated: 2026-01-25. Review status: criteria provided, single submitter. Criteria: Ambry Variant Classification Scheme 2023. Collection method: clinical testing. Allele origin: germline.
Comment: The p.R2070Q variant (also known as c.6209G>A), located in coding exon 34 of the NOTCH1 gene, results from a G to A substitution at nucleotide position 6209. The arginine at codon 2070 is replaced by glutamine, an amino acid with highly similar properties. This amino acid position is conserved. In addition, the in silico prediction for this alteration is inconclusive. Based on the available evidence, the clinical significance of this variant remains unclear.

GeneDx
Classification: Uncertain significance. Last evaluated: 2024-12-03. Review status: criteria provided, single submitter. Criteria: GeneDx Variant Classification Process June 2021. Collection method: clinical testing. Allele origin: germline.
Comment: Has not been previously published as pathogenic or benign to our knowledge; Not observed at significant frequency in large population cohorts (gnomAD); In silico analysis suggests this variant may impact gene splicing. In the absence of RNA/functional studies, the actual effect of this sequence change is unknown.; In silico analysis supports that this missense variant has a deleterious effect on protein structure/function